The following is an entry in ClinVar:

ClinVar aggregate classification (germline): Conflicting classifications of pathogenicity. Review status: criteria provided, conflicting classifications (1 of 4 stars). 5 submissions from 5 submitters: Uncertain significance (2); Likely benign (1). 2 of the submissions do not count toward it. Last evaluated 2023-10-01.

Conditions:
Retinal dystrophy. Also called: Inherited retinal dystrophy. Identifiers: Orphanet 71862, MedGen C0854723, MeSH D058499, MONDO:0019118, HP:0000556.
Inborn genetic diseases. Identifiers: MedGen C0950123, MeSH D030342.
Bardet-Biedl syndrome (BBS). Identifiers: Orphanet 110, MedGen C0752166, MONDO:0015229.
BBS1-related disorder. Also called: BBS1-related condition.
Bardet-Biedl syndrome 1 (BBS1). Identifiers: MedGen C2936862, MONDO:0008854, OMIM 209900. Disease mechanism: loss of function.

Allele frequency attached by ClinVar (database versions not stated): gnomAD 0.00001 and 0.00004; ExAC 0.00002; gnomAD exomes 0.00002 and 0.00003; TOPMed 0.00002.
gnomAD v4.1: 36 of 1,614,022 alleles (0.0022%); highest among the groups gnomAD compares: East Asian, 0.047%; 1 homozygote.

Submissions (5):

Dept Of Ophthalmology, Nagoya University
Classification: Uncertain significance for Retinal dystrophy. Last evaluated: 2023-10-01. Review status: criteria provided, single submitter. Criteria: Submitter's publication. Collection method: research. Allele origin: germline. Affected: yes.

Labcorp Genetics (formerly Invitae), Labcorp
Classification: Uncertain significance for Bardet-Biedl syndrome. Last evaluated: 2022-04-09. Review status: criteria provided, single submitter. Criteria: Invitae Variant Classification Sherloc (09022015). Collection method: clinical testing. Allele origin: germline.
Comment: This sequence change replaces arginine, which is basic and polar, with glutamine, which is neutral and polar, at codon 146 of the BBS1 protein (p.Arg146Gln). This variant is present in population databases (rs759253107, gnomAD 0.02%). This variant has not been reported in the literature in individuals affected with BBS1-related conditions. ClinVar contains an entry for this variant (Variation ID: 412286). Algorithms developed to predict the effect of missense changes on protein structure and function output the following: SIFT: "Tolerated"; PolyPhen-2: "Benign"; Align-GVGD: "Class C0". The glutamine amino acid residue is found in multiple mammalian species, which suggests that this missense change does not adversely affect protein function. In summary, the available evidence is currently insufficient to determine the role of this variant in disease. Therefore, it has been classified as a Variant of Uncertain Significance.

Ambry Genetics
Classification: Likely benign for Inborn genetic diseases. Last evaluated: 2021-12-06. Review status: criteria provided, single submitter. Criteria: Ambry Variant Classification Scheme 2023. Collection method: clinical testing. Allele origin: germline.

PreventionGenetics, part of Exact Sciences
Classification: Uncertain significance for BBS1-related condition. Last evaluated: 2024-04-03. Review status: no assertion criteria provided. Collection method: clinical testing. Allele origin: germline. Not counted in ClinVar's aggregate classification.
Comment: The BBS1 c.437G>A variant is predicted to result in the amino acid substitution p.Arg146Gln. To our knowledge, this variant has not been reported in the literature. This variant is reported in 0.020% of alleles in individuals of East Asian descent in gnomAD. At this time, the clinical significance of this variant is uncertain due to the absence of conclusive functional and genetic evidence.

Natera, Inc.
Classification: Uncertain significance for Bardet-Biedl syndrome type 1. Last evaluated: 2019-10-28. Review status: no assertion criteria provided. Collection method: clinical testing. Allele origin: germline. Not counted in ClinVar's aggregate classification.

NM_024649.5(BBS1):c.437G>A (p.Arg146Gln)

Gene: BBS1 (Bardet-Biedl syndrome 1; plus strand). Cytogenetic location: 11q13.2.
Variant type: single nucleotide variant.
Coding change: c.437G>A on transcript NM_024649.5 (MANE Select); coding-DNA position 437, G replaced by A.
Protein change: p.Arg146Gln; replaces arginine 146 with glutamine.
Molecular consequence: missense variant.
Genome position (GRCh38, 1-based): chr11:66,515,544, G>A. VCF-style: chr11-66515544-G-A. GRCh37 (hg19) VCF-style: chr11-66283015-G-A.
Other names: short protein forms R146Q.
Identifiers: ClinVar variation 412286 (VCV000412286.7), dbSNP rs759253107, ClinGen allele CA6123344.
Genomic context (GRCh38, chr11:66,515,544, plus strand): 5'-ACATTGGGTTTCCTGCCTGGCTTGAGCTCACAGGCTCTCTTCCCACATTGTCACAGGACC[G>A]AATCGACCCCTTAACCCTGAAGGAGATGCTGGAGAGCATCCGGTGAGAGGCTGCCTTCCC-3'
Protein context (NP_078925.3, residues 136-156): QDLWNQAKED[Arg146Gln]IDPLTLKEML